The following is an entry in ClinVar:

ClinVar aggregate classification (germline): Uncertain significance (1 of 4 stars; one submission).

Submission:

Labcorp Genetics (formerly Invitae), Labcorp
Classification: Uncertain significance. Last evaluated: 2022-05-17. Review status: criteria provided, single submitter. Criteria: Invitae Variant Classification Sherloc (09022015). Collection method: clinical testing. Allele origin: germline.
Comment: This variant results in a copy number gain of the genomic region encompassing exon(s) 1-6 of the PACS2 gene. This region includes the initiator codon of the gene. This copy number gain extends beyond the assayed region for this gene and therefore may encompass additional genes. As the precise location of this event is unknown, it may be in tandem or it may be located elsewhere in the genome. This variant has not been reported in the literature in individuals affected with PACS2-related conditions. In summary, the available evidence is currently insufficient to determine the role of this variant in disease. Therefore, it has been classified as a Variant of Uncertain Significance.

NC_000014.8:g.(?_105781256)_(105834504_?)dup

Genes: BRF1 (BRF1 RNA polymerase III transcription initiation factor subunit; minus strand), PACS2 (phosphofurin acidic cluster sorting protein 2; plus strand). Cytogenetic location: 14q32.33.
Variant type: Duplication.
Identifiers: ClinVar variation 2423703 (VCV002423703.4).